The following is an entry in ClinVar:

NM_032447.5(FBN3):c.5656+8G>A

Gene: FBN3 (fibrillin 3; minus strand). Cytogenetic location: 19p13.2.
Variant type: single nucleotide variant.
Coding change: c.5656+8G>A on transcript NM_032447.5 (MANE Select); 8 bases into the intron after coding-DNA position 5656, G replaced by A.
Molecular consequence: intron variant.
Genome position (GRCh38, 1-based): chr19:8,095,956, C>T on the plus strand (G>A on the coding strand, the complement: FBN3 is on the minus strand). VCF-style: chr19-8095956-C-T. GRCh37 (hg19) VCF-style: chr19-8160840-C-T.
Other names: c.5656+8G>A (NM_001321431.1, NM_001321431.2).
Identifiers: ClinVar variation 747940 (VCV000747940.9), dbSNP rs770669565, ClinGen allele CA9151590.

ClinVar aggregate classification (germline): Likely benign. Review status: criteria provided, single submitter (1 of 4 stars). 2 submissions from 2 submitters: Likely benign (1). 1 of the submissions does not count toward it. Last evaluated 2022-12-06.

Conditions:
FBN3-related disorder. Also called: FBN3-related condition.

Allele frequency attached by ClinVar (database versions not stated): TOPMed 0.00002; gnomAD exomes 0.00003; ExAC 0.00004; gnomAD 0.00005 and 0.00006.
gnomAD v4.1: 41 of 1,587,012 alleles (0.0026%); highest among the groups gnomAD compares: Middle Eastern, 0.033%; no homozygotes.

Submissions (2):

Labcorp Genetics (formerly Invitae), Labcorp
Classification: Likely benign. Last evaluated: 2022-12-06. Review status: criteria provided, single submitter. Criteria: Invitae Variant Classification Sherloc (09022015). Collection method: clinical testing. Allele origin: germline.

PreventionGenetics, part of Exact Sciences
Classification: Likely benign for FBN3-related condition. Last evaluated: 2019-07-01. Review status: no assertion criteria provided. Collection method: clinical testing. Allele origin: germline. Not counted in ClinVar's aggregate classification.
Comment: This variant is classified as likely benign based on ACMG/AMP sequence variant interpretation guidelines (Richards et al. 2015 PMID: 25741868, with internal and published modifications).